The following is an entry in ClinVar:

NM_198129.4(LAMA3):c.9114T>G (p.Tyr3038Ter)

Gene: LAMA3 (laminin subunit alpha 3; plus strand). Cytogenetic location: 18q11.2.
Variant type: single nucleotide variant.
Coding change: c.9114T>G on transcript NM_198129.4 (MANE Select); coding-DNA position 9114, T replaced by G.
Protein change: p.Tyr3038Ter; replaces tyrosine 3038 with a stop codon.
Molecular consequence: nonsense.
Genome position (GRCh38, 1-based): chr18:23,943,875, T>G. VCF-style: chr18-23943875-T-G. GRCh37 (hg19) VCF-style: chr18-21523839-T-G.
Other names: c.4287T>G, p.Tyr1429Ter (NM_000227.6); c.8946T>G, p.Tyr2982Ter (NM_001127717.4); c.4119T>G, p.Tyr1373Ter (NM_001127718.4); short protein forms Y3038*, Y1429*, Y1373*, Y2982*.
Identifiers: ClinVar variation 556715 (VCV000556715.8), dbSNP rs1555751423, ClinGen allele CA402049723.
Genomic context (GRCh38, chr18:23,943,875, plus strand): 5'-AACATCCTCCAGAGGACTGGTGTTTCACACGGGCACTAAGAACTCCTTTATGGCTCTTTA[T>G]CTTTCAAAAGGACGTCTGGTCTTTGCACTGGGGACAGATGGGAAAAAATTGAGGATCAAA-3'

ClinVar aggregate classification (germline): Pathogenic. Review status: criteria provided, single submitter (1 of 4 stars). 2 submissions from 2 submitters: Pathogenic (1). 1 of the submissions does not count toward it. Last evaluated 2023-10-12.

Conditions:
Junctional epidermolysis bullosa gravis of Herlitz. Also called: Epidermolysis Bullosa Letalis; JEB-HERLITZ TYPE; EPIDERMOLYSIS BULLOSA JUNCTIONALIS, HERLITZ TYPE; EPIDERMOLYSIS BULLOSA, JUNCTIONAL, HERLITZ-PEARSON TYPE; Herlitz-type junctional epidermolysis bullosa; EPIDERMOLYSIS BULLOSA, JUNCTIONAL 1B, SEVERE. Identifiers: Orphanet 79404, MedGen C0079683, MONDO:0009182, OMIM 226700.

Submissions (2):

Labcorp Genetics (formerly Invitae), Labcorp
Classification: Pathogenic. Last evaluated: 2023-10-12. Review status: criteria provided, single submitter. Criteria: Invitae Variant Classification Sherloc (09022015). Collection method: clinical testing. Allele origin: germline.
Comment: This sequence change creates a premature translational stop signal (p.Tyr1429*) in the LAMA3 gene. It is expected to result in an absent or disrupted protein product. Loss-of-function variants in LAMA3 are known to be pathogenic (PMID: 10366601, 11810295, 12915477, 16473856, 17362460, 22434185, 23869449, 27827380, 28087116). This variant is not present in population databases (gnomAD no frequency). This variant has not been reported in the literature in individuals affected with LAMA3-related conditions. ClinVar contains an entry for this variant (Variation ID: 556715). Algorithms developed to predict the effect of sequence changes on RNA splicing suggest that this variant may disrupt the consensus splice site. For these reasons, this variant has been classified as Pathogenic.

Counsyl
Classification: Likely pathogenic for Junctional epidermolysis bullosa gravis of Herlitz. Last evaluated: 2018-02-13. Review status: no assertion criteria provided. Collection method: clinical testing. Allele origin: unknown. Not counted in ClinVar's aggregate classification.

Literature cited by the submitters: PubMed 10366601 (cited by Labcorp Genetics (formerly Invitae), Labcorp); PubMed 11810295 (cited by Labcorp Genetics (formerly Invitae), Labcorp); PubMed 12915477 (cited by Labcorp Genetics (formerly Invitae), Labcorp); PubMed 16473856 (cited by Labcorp Genetics (formerly Invitae), Labcorp); PubMed 17362460 (cited by Labcorp Genetics (formerly Invitae), Labcorp); PubMed 22434185 (cited by Labcorp Genetics (formerly Invitae), Labcorp); PubMed 23869449 (cited by Labcorp Genetics (formerly Invitae), Labcorp); PubMed 27827380 (cited by Labcorp Genetics (formerly Invitae), Labcorp); PubMed 28087116 (cited by Labcorp Genetics (formerly Invitae), Labcorp).